The following is an entry in ClinVar:

NM_005612.5(REST):c.3059G>T (p.Ser1020Ile)

Gene: REST (RE1 silencing transcription factor; plus strand). Cytogenetic location: 4q12.
Variant type: single nucleotide variant.
Coding change: c.3059G>T on transcript NM_005612.5 (MANE Select); coding-DNA position 3059, G replaced by T.
Protein change: p.Ser1020Ile; replaces serine 1020 with isoleucine.
Molecular consequence: missense variant.
Genome position (GRCh38, 1-based): chr4:56,931,917, G>T. VCF-style: chr4-56931917-G-T. GRCh37 (hg19) VCF-style: chr4-57798083-G-T.
Other names: c.3059G>T, p.Ser1020Ile (NM_001193508.2, NM_001363453.3); short protein forms S1020I.
Identifiers: ClinVar variation 1720396 (VCV001720396.5), dbSNP rs1167234532, ClinGen allele CA357010119.

ClinVar aggregate classification (germline): Uncertain significance (1 of 4 stars; one submission).

Submission:

Labcorp Genetics (formerly Invitae), Labcorp
Classification: Uncertain significance. Last evaluated: 2022-10-07. Review status: criteria provided, single submitter. Criteria: Invitae Variant Classification Sherloc (09022015). Collection method: clinical testing. Allele origin: germline.
Comment: In summary, the available evidence is currently insufficient to determine the role of this variant in disease. Therefore, it has been classified as a Variant of Uncertain Significance. Algorithms developed to predict the effect of missense changes on protein structure and function are either unavailable or do not agree on the potential impact of this missense change (SIFT: "Deleterious"; PolyPhen-2: "Probably Damaging"; Align-GVGD: "Class C0"). This variant has not been reported in the literature in individuals affected with REST-related conditions. This variant is not present in population databases (gnomAD no frequency). This sequence change replaces serine, which is neutral and polar, with isoleucine, which is neutral and non-polar, at codon 1020 of the REST protein (p.Ser1020Ile).